The following is an entry in ClinVar:

ClinVar aggregate classification (germline): Benign (0 of 4 stars; one submission).

Conditions:
SERPINA1-related disorder. Also called: SerpinA1-related disorders; SERPINA1-related condition.

Submission:

PreventionGenetics, part of Exact Sciences
Classification: Benign for SERPINA1-related condition. Last evaluated: 2024-04-16. Review status: no assertion criteria provided. Collection method: clinical testing. Allele origin: germline.
Comment: This variant is classified as benign based on ACMG/AMP sequence variant interpretation guidelines (Richards et al. 2015 PMID: 25741868, with internal and published modifications).

NM_000295.5(SERPINA1):c.1076A>T (p.Lys359Met)

Gene: SERPINA1 (serpin family A member 1; minus strand). Cytogenetic location: 14q32.13.
Variant type: single nucleotide variant.
Coding change: c.1076A>T on transcript NM_000295.5 (MANE Select); coding-DNA position 1076, A replaced by T.
Protein change: p.Lys359Met; replaces lysine 359 with methionine.
Molecular consequence: missense variant.
Genome position (GRCh38, 1-based): chr14:94,378,630, T>A on the plus strand (A>T on the coding strand, the complement: SERPINA1 is on the minus strand). VCF-style: chr14-94378630-T-A. GRCh37 (hg19) VCF-style: chr14-94844967-T-A.
Other names: c.1076A>T, p.Lys359Met (NM_001002235.3, NM_001002236.3, NM_001127700.2 and 7 more transcripts); short protein forms K359M.
Identifiers: ClinVar variation 3036555 (VCV003036555.2), dbSNP rs796549685, ClinGen allele CA265860697.